The following is an entry in ClinVar:

NM_000512.5(GALNS):c.448C>T (p.His150Tyr)

Gene: GALNS (galactosamine (N-acetyl)-6-sulfatase; minus strand). Cytogenetic location: 16q24.3.
Variant type: single nucleotide variant.
Coding change: c.448C>T on transcript NM_000512.5 (MANE Select); coding-DNA position 448, C replaced by T.
Protein change: p.His150Tyr; replaces histidine 150 with tyrosine.
Molecular consequence: missense variant. On other transcripts: 5 prime UTR variant (1).
Genome position (GRCh38, 1-based): chr16:88,837,740, G>A on the plus strand (C>T on the coding strand, the complement: GALNS is on the minus strand). VCF-style: chr16-88837740-G-A. GRCh37 (hg19) VCF-style: chr16-88904148-G-A.
Other names: c.-108C>T (NM_001323543.2); c.466C>T, p.His156Tyr (NM_001323544.2); short protein forms H150Y, H156Y.
Identifiers: ClinVar variation 1048459 (VCV001048459.4), dbSNP rs1168278189, ClinGen allele CA397083561.

ClinVar aggregate classification (germline): Uncertain significance. Review status: criteria provided, multiple submitters, no conflicts (2 of 4 stars). 2 submissions from 2 submitters: Uncertain significance (2). Last evaluated 2023-06-22.

Conditions:
Mucopolysaccharidosis, MPS-IV-A (MPS4A). Also called: Mucopolysaccharidosis type IV A; Mucopolysaccharidosis Type IVA; Morquio syndrome A, mild; MORQUIO SYNDROME A; MPS IVA; mucopolysaccharidosis type 4A. Identifiers: Orphanet 309297, Orphanet 582, MedGen C0086651, MONDO:0009659, OMIM 253000.

Allele frequency attached by ClinVar (database versions not stated): gnomAD exomes below 0.00001; TOPMed below 0.00001.

Submissions (2):

Neuberg Centre For Genomic Medicine, NCGM
Classification: Uncertain significance for Mucopolysaccharidosis, MPS-IV-A. Last evaluated: 2023-06-22. Review status: criteria provided, single submitter. Criteria: ACMG Guidelines, 2015. Collection method: clinical testing. Allele origin: germline. Inheritance: Autosomal recessive inheritance. Affected: yes.
Comment: The observed missense c.448C>T(p.His150Tyr) variant in GALNS gene has been reported in individual(s) affected with Mucopolysaccharidosis IVA (Zanetti A, et. al., 2021). This variant is present with an allele frequency of 0.0004% in gnomAD Exomes database. This variant has been submitted to the ClinVar database as Uncertain significance. Computational evidence (Polyphen -Probably damaging, SIFT - Tolerated and MutationTaster -disease causing) predicts conflicting evidence on protein structure and function for this variant. The amino acid change p.His150Tyr in GALNS is predicted as conserved by GERP++ and PhyloP across 100 vertebrates. The amino acid His at position 150 is changed to a Tyr changing protein sequence and it might alter its composition and physico-chemical properties. For these reasons, this variant has been classified as Uncertain Significance (VUS).

Laboratory of Diagnosis and Therapy of Lysosomal Disorders, University of Padova
Classification: Uncertain significance for Mucopolysaccharidosis, MPS-IV-A. Last evaluated: 2021-02-01. Review status: criteria provided, single submitter. Criteria: ACMG Guidelines, 2015. Collection method: curation. Allele origin: germline. Affected: yes.
Comment: The prevalence of the variant in affected individuals is significantly increased compared with the prevalence in controls (PS4_moderate); very low frequency in gnomAD v2.1.1 (PM2_moderate); multiple lines of computational evidence support a deleterious effect on the gene (PP3_supporting)

Literature cited by the submitters: PubMed 15241807 (cited by Laboratory of Diagnosis and Therapy of Lysosomal Disorders, University of Padova); PubMed 25545067 (cited by Laboratory of Diagnosis and Therapy of Lysosomal Disorders, University of Padova); PubMed 34387910 (cited by Laboratory of Diagnosis and Therapy of Lysosomal Disorders, University of Padova).